The following is an entry in ClinVar:

ClinVar aggregate classification (germline): Conflicting classifications of pathogenicity. Review status: criteria provided, conflicting classifications (1 of 4 stars). 5 submissions from 4 submitters: Uncertain significance (2); Likely benign (3). Last evaluated 2025-07-22.

Conditions:
ANK1-related disorder. Also called: ANK1-related condition.
Hereditary spherocytosis type 1. Also called: Spherocytosis type 1; ANK1-Related Spherocytosis. Identifiers: Orphanet 822, MedGen C2674218, MONDO:0008447, OMIM 182900.
Spherocytosis. Identifiers: MedGen C0553720, HP:0004444.

Allele frequency attached by ClinVar (database versions not stated): 1000 Genomes Project 0.00060; 1000 Genomes Project 30x 0.00078; TOPMed 0.00124; ExAC 0.00201; gnomAD 0.00208 and 0.00209; gnomAD exomes 0.00213 and 0.00259; ESP Exome Variant Server 0.00215.
gnomAD v4.1: 4,088 of 1,614,000 alleles (0.25%); highest among the groups gnomAD compares: Non-Finnish European, 0.27%; 7 homozygotes.

Submissions (5):

PreventionGenetics, part of Exact Sciences
Classification: Likely benign for ANK1-related condition. Last evaluated: 2025-07-22. Review status: criteria provided, single submitter. Criteria: ACMG Guidelines, 2015. Collection method: clinical testing. Allele origin: germline.
Comment: This variant is classified as likely benign based on ACMG/AMP sequence variant interpretation guidelines (Richards et al. 2015 PMID: 25741868, with internal and published modifications).

Mayo Clinic Laboratories, Mayo Clinic
Classification: Likely benign. Last evaluated: 2025-06-05. Review status: criteria provided, single submitter. Criteria: ACMG Guidelines, 2015. Collection method: clinical testing. Allele origin: germline. Observed: 8 variant alleles.
Comment: BS1, BS2, BP4

ARUP Laboratories, Molecular Genetics and Genomics, ARUP Laboratories
Classification: Uncertain significance for Hereditary spherocytosis type 1. Last evaluated: 2023-11-03. Review status: criteria provided, single submitter. Criteria: ARUP Molecular Germline Variant Investigation Process 2024. Collection method: clinical testing. Allele origin: germline.

Illumina Laboratory Services, Illumina
Classification: Uncertain significance for Spherocytosis. Last evaluated: 2018-01-12. Review status: criteria provided, single submitter. Criteria: ICSL Variant Classification Criteria 13 December 2019. Collection method: clinical testing. Allele origin: germline.

Illumina Laboratory Services, Illumina
Classification: Likely benign for Hereditary spherocytosis type 1. Last evaluated: 2018-01-12. Review status: criteria provided, single submitter. Criteria: ICSL Variant Classification Criteria 13 December 2019. Collection method: clinical testing. Allele origin: germline.
Comment: This variant was observed in the ICSL laboratory as part of a predisposition screen in an ostensibly healthy population. It had not been previously curated by ICSL or reported in the Human Gene Mutation Database (HGMD: prior to June 1st, 2018), and was therefore a candidate for classification through an automated scoring system. Utilizing variant allele frequency, disease prevalence and penetrance estimates, and inheritance mode, an automated score was calculated to assess if this variant is too frequent to cause the disease. Based on the score and internal cut-off values, a variant classified as likely benign is not then subjected to further curation. The score for this variant resulted in a classification of likely benign for this disease.

NM_000037.4(ANK1):c.*8C>A

Gene: ANK1 (ankyrin 1; minus strand). Cytogenetic location: 8p11.21.
Variant type: single nucleotide variant.
Coding change: c.*8C>A on transcript NM_000037.4 (MANE Select); 8 bases downstream of the stop codon, C replaced by A.
Molecular consequence: 3 prime UTR variant. On other transcripts: intron variant (6).
Genome position (GRCh38, 1-based): chr8:41,661,458, G>T on the plus strand (C>A on the coding strand, the complement: ANK1 is on the minus strand). VCF-style: chr8-41661458-G-T. GRCh37 (hg19) VCF-style: chr8-41518976-G-T.
Other names: c.*8C>A (NM_020478.5); c.5667+418C>A (NM_001142446.2); c.5133+343C>A (NM_020477.3); c.5544+418C>A (NM_020475.3); c.5619+343C>A (NM_020476.3, NM_020476.2); c.303+2201C>A (NM_020480.5); c.444+343C>A (NM_001142445.2).
Identifiers: ClinVar variation 910606 (VCV000910606.7), dbSNP rs146341756, ClinGen allele CA4727044.